The following is an entry in ClinVar:

NM_020800.3(IFT80):c.895G>A (p.Val299Met)

Genes: TRIM59-IFT80 (TRIM59-IFT80 readthrough (NMD candidate); minus strand), IFT80 (intraflagellar transport 80; minus strand). Cytogenetic location: 3q25.33.
Variant type: single nucleotide variant.
Coding change: c.895G>A on transcript NM_020800.3 (MANE Select); coding-DNA position 895, G replaced by A.
Protein change: p.Val299Met; replaces valine 299 with methionine.
Molecular consequence: missense variant. On other transcripts: non-coding transcript variant (3).
Genome position (GRCh38, 1-based): chr3:160,319,822, C>T on the plus strand (G>A on the coding strand, the complement: IFT80 is on the minus strand). VCF-style: chr3-160319822-C-T. GRCh37 (hg19) VCF-style: chr3-160037610-C-T.
Other names: c.484G>A, p.Val162Met (NM_001190241.2, NM_001190242.2); short protein forms V162M, V299M.
Identifiers: ClinVar variation 837735 (VCV000837735.9), dbSNP rs1718074496, ClinGen allele CA355195465.

ClinVar aggregate classification (germline): Uncertain significance (1 of 4 stars; one submission).

Conditions:
Jeune thoracic dystrophy. Also called: Jeune syndrome; Infantile thoracic dystrophy; Thoracic pelvic phalangeal dystrophy; Jeune's syndrome; Chondroectodermal dysplasia-like syndrome; Short-rib thoracic dysplasia. Identifiers: Orphanet 474, MedGen C0265275, MONDO:0018770.

Allele frequency attached by ClinVar (database versions not stated): gnomAD exomes below 0.00001.
gnomAD v4.1: 1 of 1,613,068 alleles (0.000062%); highest among the groups gnomAD compares: Non-Finnish European, 0.000085%; no homozygotes.

Submission:

Labcorp Genetics (formerly Invitae), Labcorp
Classification: Uncertain significance for Jeune thoracic dystrophy. Last evaluated: 2024-11-18. Review status: criteria provided, single submitter. Criteria: Invitae Variant Classification Sherloc (09022015). Collection method: clinical testing. Allele origin: germline.
Comment: This sequence change replaces valine, which is neutral and non-polar, with methionine, which is neutral and non-polar, at codon 299 of the IFT80 protein (p.Val299Met). This variant is not present in population databases (gnomAD no frequency). This variant has not been reported in the literature in individuals affected with IFT80-related conditions. ClinVar contains an entry for this variant (Variation ID: 837735). Invitae Evidence Modeling of protein sequence and biophysical properties (such as structural, functional, and spatial information, amino acid conservation, physicochemical variation, residue mobility, and thermodynamic stability) indicates that this missense variant is not expected to disrupt IFT80 protein function with a negative predictive value of 80%. In summary, the available evidence is currently insufficient to determine the role of this variant in disease. Therefore, it has been classified as a Variant of Uncertain Significance.